The following is an entry in ClinVar:

ClinVar aggregate classification (germline): Benign. Review status: criteria provided, multiple submitters, no conflicts (2 of 4 stars). 5 submissions from 5 submitters: Benign (5). Last evaluated 2026-02-04.

Conditions:
Retinitis pigmentosa (RP). Identifiers: Orphanet 791, MedGen C0035334, MeSH D012174, MONDO:0019200, OMIM 268000. Inheritance: Autosomal dominant, autosomal recessive and X linked inheritance.
Retinitis pigmentosa 46 (RP46). Also called: RETINITIS PIGMENTOSA, AUTOSOMAL RECESSIVE, IDH3B-RELATED. Identifiers: Orphanet 791, MedGen C2675496, MONDO:0012943, OMIM 612572.

Allele frequency attached by ClinVar (database versions not stated): 1000 Genomes Project 30x 0.60728; 1000 Genomes Project 0.61302; ESP Exome Variant Server 0.65331; TOPMed 0.65510; gnomAD 0.66025 and 0.66092; ExAC 0.68653; gnomAD exomes 0.68959 and 0.70944.
gnomAD v4.1: 1,136,862 of 1,613,428 alleles (70%); highest among the groups gnomAD compares: Non-Finnish European, 73%; 403,908 homozygotes.

Submissions (5):

Labcorp Genetics (formerly Invitae), Labcorp
Classification: Benign. Last evaluated: 2026-02-04. Review status: criteria provided, single submitter. Criteria: Invitae Variant Classification Sherloc (09022015). Collection method: clinical testing. Allele origin: germline.

Genome-Nilou Lab
Classification: Benign for Retinitis pigmentosa 46. Last evaluated: 2021-08-10. Review status: criteria provided, single submitter. Criteria: ACMG Guidelines, 2015. Collection method: clinical testing. Allele origin: germline. Affected: no.

GeneDx
Classification: Benign. Last evaluated: 2021-05-04. Review status: criteria provided, single submitter. Criteria: GeneDx Variant Classification Process June 2021. Collection method: clinical testing. Allele origin: germline. Affected: yes.

Illumina Laboratory Services, Illumina
Classification: Benign for Retinitis pigmentosa. Last evaluated: 2018-01-12. Review status: criteria provided, single submitter. Criteria: ICSL Variant Classification Criteria 13 December 2019. Collection method: clinical testing. Allele origin: germline.
Comment: This variant was observed in the ICSL laboratory as part of a predisposition screen in an ostensibly healthy population. It had not been previously curated by ICSL or reported in the Human Gene Mutation Database (HGMD: prior to June 1st, 2018), and was therefore a candidate for classification through an automated scoring system. Utilizing variant allele frequency, disease prevalence and penetrance estimates, and inheritance mode, an automated score was calculated to assess if this variant is too frequent to cause the disease. Based on the score and internal cut-off values, a variant classified as benign is not then subjected to further curation. The score for this variant resulted in a classification of benign for this disease.

Breakthrough Genomics
Classification: Benign. Review status: criteria provided, single submitter. Criteria: ACMG Guidelines, 2015. Collection method: not provided. Allele origin: germline. Inheritance: Autosomal recessive inheritance. Affected: yes.

NM_006899.5(IDH3B):c.118-3G>C

Gene: IDH3B (isocitrate dehydrogenase (NAD(+)) 3 non-catalytic subunit beta; minus strand). Cytogenetic location: 20p13.
Variant type: single nucleotide variant.
Coding change: c.118-3G>C on transcript NM_006899.5 (MANE Select); 3 bases into the intron before coding-DNA position 118, G replaced by C.
Molecular consequence: intron variant.
Genome position (GRCh38, 1-based): chr20:2,663,761, C>G on the plus strand (G>C on the coding strand, the complement: IDH3B is on the minus strand). VCF-style: chr20-2663761-C-G. GRCh37 (hg19) VCF-style: chr20-2644407-C-G.
Other names: c.118-3G>C (NM_174855.4, NM_001330763.2, NM_001258384.3).
Identifiers: ClinVar variation 338028 (VCV000338028.16), dbSNP rs2073193, ClinGen allele CA9735383.